The following is an entry in ClinVar:

NM_012193.4(FZD4):c.1552_1555del (p.Lys518fs)

Genes: FZD4 (frizzled class receptor 4; minus strand), PRSS23 (serine protease 23; plus strand). Cytogenetic location: 11q14.2.
Variant type: Deletion.
Coding change: c.1552_1555del on transcript NM_012193.4 (MANE Select); coding-DNA positions 1552 to 1555, 4 bases deleted (AAGA; older notation c.1552_1555delAAGA).
Protein change: p.Lys518fs; shifts the reading frame from lysine 518.
Molecular consequence: frameshift variant.
Genome position (GRCh38, 1-based): chr11:86,951,201-86,951,204, TCTT deleted on the plus strand (AAGA on the coding strand, the reverse complement: FZD4 is on the minus strand); deleting any 4 consecutive bases within chr11:86,951,201-86,951,205 gives the same sequence; the c. name uses the placement nearest the transcript's 3' end. VCF-style (leftmost placement, unchanged base first): chr11-86951200-CTCTT-C. GRCh37 (hg19) VCF-style: chr11-86662242-CTCTT-C.
Other names: short protein forms K518fs.
Identifiers: ClinVar variation 1474631 (VCV001474631.6), dbSNP rs1362905683, ClinGen allele CA681338389.
Genomic context (GRCh38, chr11:86,951,200, plus strand): 5'-CCTTATACCACAGTCTCACTGCCTTTTCCAGGCTTCACCCAACCATTTCCTCTCTTCTCT[CTCTT>C]TACCTTTCCAGAATTCACCAATCTGTTGGAACACTTCTGCCACGTGTGAAGAGTTTTGGC-3'

ClinVar aggregate classification (germline): Uncertain significance (1 of 4 stars; one submission).

Submission:

Labcorp Genetics (formerly Invitae), Labcorp
Classification: Uncertain significance. Last evaluated: 2021-07-18. Review status: criteria provided, single submitter. Criteria: Invitae Variant Classification Sherloc (09022015). Collection method: clinical testing. Allele origin: germline.
Comment: This sequence change creates a premature translational stop signal (p.Lys518Glufs*9) in the FZD4 gene. While this is not anticipated to result in nonsense mediated decay, it is expected to disrupt the last 20 amino acid(s) of the FZD4 protein. This variant is not present in population databases (ExAC no frequency). This variant has not been reported in the literature in individuals affected with FZD4-related conditions. This variant disrupts a region of the FZD4 protein in which other variant(s) (p.Gly525Arg) have been observed in individuals with FZD4-related conditions (PMID: 20340138). This suggests that this is a clinically significant region of the protein, and that variants that disrupt it are likely to be disease-causing. In summary, the available evidence is currently insufficient to determine the role of this variant in disease. Therefore, it has been classified as a Variant of Uncertain Significance.

Literature cited by the submitters: PubMed 20340138.